The following is an entry in ClinVar:

NM_014712.3(SETD1A):c.2889C>T (p.Ser963=)

Gene: SETD1A (SET domain containing 1A, histone lysine methyltransferase; plus strand). Cytogenetic location: 16p11.2.
Variant type: single nucleotide variant.
Coding change: c.2889C>T on transcript NM_014712.3 (MANE Select); coding-DNA position 2889, C replaced by T.
Protein change: p.Ser963=; no amino-acid change (serine 963 retained).
Molecular consequence: synonymous variant.
Genome position (GRCh38, 1-based): chr16:30,969,423, C>T. VCF-style: chr16-30969423-C-T. GRCh37 (hg19) VCF-style: chr16-30980744-C-T.
Identifiers: ClinVar variation 3352507 (VCV003352507.1).

ClinVar aggregate classification (germline): Benign (0 of 4 stars; one submission).

Conditions:
SETD1A-related disorder. Also called: SETD1A-related condition.

gnomAD v4.1: 8,099 of 1,613,596 alleles (0.5%); highest among the groups gnomAD compares: East Asian, 15%; 536 homozygotes.

Submission:

PreventionGenetics, part of Exact Sciences
Classification: Benign for SETD1A-related condition. Last evaluated: 2024-03-12. Review status: no assertion criteria provided. Collection method: clinical testing. Allele origin: germline.
Comment: This variant is classified as benign based on ACMG/AMP sequence variant interpretation guidelines (Richards et al. 2015 PMID: 25741868, with internal and published modifications).